The following is an entry in ClinVar:

NM_024685.4(BBS10):c.315G>A (p.Lys105=)

Gene: BBS10 (Bardet-Biedl syndrome 10; minus strand). Cytogenetic location: 12q21.2.
Variant type: single nucleotide variant.
Coding change: c.315G>A on transcript NM_024685.4 (MANE Select); coding-DNA position 315, G replaced by A.
Protein change: p.Lys105=; no amino-acid change (lysine 105 retained).
Molecular consequence: synonymous variant.
Genome position (GRCh38, 1-based): chr12:76,347,670, C>T on the plus strand (G>A on the coding strand, the complement: BBS10 is on the minus strand). VCF-style: chr12-76347670-C-T. GRCh37 (hg19) VCF-style: chr12-76741450-C-T.
Other names: c.315G>A (NM_024685.3).
Identifiers: ClinVar variation 2976814 (VCV002976814.4), dbSNP rs2540957114, ClinGen allele CA480794062.

ClinVar aggregate classification (germline): Likely benign. Review status: criteria provided, single submitter (1 of 4 stars). 2 submissions from 2 submitters: Likely benign (1). 1 of the submissions does not count toward it. Last evaluated 2023-06-07.

Conditions:
Bardet-Biedl syndrome (BBS). Identifiers: Orphanet 110, MedGen C0752166, MONDO:0015229.
BBS10-related disorder. Also called: BBS10-related condition.

Submissions (2):

Labcorp Genetics (formerly Invitae), Labcorp
Classification: Likely benign for Bardet-Biedl syndrome. Last evaluated: 2023-06-07. Review status: criteria provided, single submitter. Criteria: Invitae Variant Classification Sherloc (09022015). Collection method: clinical testing. Allele origin: germline.

PreventionGenetics, part of Exact Sciences
Classification: Likely benign for BBS10-related condition. Last evaluated: 2023-01-07. Review status: no assertion criteria provided. Collection method: clinical testing. Allele origin: germline. Not counted in ClinVar's aggregate classification.
Comment: This variant is classified as likely benign based on ACMG/AMP sequence variant interpretation guidelines (Richards et al. 2015 PMID: 25741868, with internal and published modifications).